The following is an entry in ClinVar:

NM_004370.6(COL12A1):c.2342A>G (p.Asn781Ser)

Gene: COL12A1 (collagen type XII alpha 1 chain; minus strand). Cytogenetic location: 6q13.
Variant type: single nucleotide variant.
Coding change: c.2342A>G on transcript NM_004370.6 (MANE Select); coding-DNA position 2342, A replaced by G.
Protein change: p.Asn781Ser; replaces asparagine 781 with serine.
Molecular consequence: missense variant. On other transcripts: intron variant (2).
Genome position (GRCh38, 1-based): chr6:75,177,758, T>C on the plus strand (A>G on the coding strand, the complement: COL12A1 is on the minus strand). VCF-style: chr6-75177758-T-C. GRCh37 (hg19) VCF-style: chr6-75887474-T-C.
Other names: c.2342A>G, p.Asn781Ser (NM_001424113.1, NM_001424114.1, NM_001424115.1); c.73+24962A>G (NM_001424116.1, NM_080645.3); short protein forms N781S.
Identifiers: ClinVar variation 2926708 (VCV002926708.3), dbSNP rs2533533374, ClinGen allele CA364763940.

ClinVar aggregate classification (germline): Uncertain significance (1 of 4 stars; one submission).

Conditions:
Ullrich congenital muscular dystrophy 2 (UCMD2). Identifiers: Orphanet 75840, MedGen C4225314, MONDO:0014654, OMIM 616470.
Bethlem myopathy 2 (BTHLM2). Identifiers: Orphanet 536516, Orphanet 610, MedGen C4225313, MONDO:0034022, OMIM 616471.

Submission:

Labcorp Genetics (formerly Invitae), Labcorp
Classification: Uncertain significance for Bethlem myopathy 2; Ullrich congenital muscular dystrophy 2. Last evaluated: 2023-08-11. Review status: criteria provided, single submitter. Criteria: Invitae Variant Classification Sherloc (09022015). Collection method: clinical testing. Allele origin: germline.
Comment: This sequence change replaces asparagine, which is neutral and polar, with serine, which is neutral and polar, at codon 781 of the COL12A1 protein (p.Asn781Ser). This variant is not present in population databases (gnomAD no frequency). In summary, the available evidence is currently insufficient to determine the role of this variant in disease. Therefore, it has been classified as a Variant of Uncertain Significance. Advanced modeling of protein sequence and biophysical properties (such as structural, functional, and spatial information, amino acid conservation, physicochemical variation, residue mobility, and thermodynamic stability) performed at Invitae indicates that this missense variant is not expected to disrupt COL12A1 protein function. This variant has not been reported in the literature in individuals affected with COL12A1-related conditions.